The following is an entry in ClinVar:

ClinVar aggregate classification (germline): Likely benign. Review status: criteria provided, multiple submitters, no conflicts (2 of 4 stars). 5 submissions from 5 submitters: Likely benign (4). 1 of the submissions does not count toward it. Last evaluated 2026-02-02.

Conditions:
TBCE-related disorder. Also called: TBCE-related disorders; TBCE-related condition.
Hypoparathyroidism-retardation-dysmorphism syndrome (HRDS). Also called: SANJAD-SAKATI SYNDROME. Identifiers: Orphanet 2323, MedGen C1855840, MONDO:0009426, OMIM 241410.
Microcephaly. Also called: Microcephaly (disease). Identifiers: MedGen C4551563, MONDO:0001149, HP:0000252.

Allele frequency attached by ClinVar (database versions not stated): 1000 Genomes Project 30x 0.00078; 1000 Genomes Project 0.00080; gnomAD 0.00112 and 0.00121; TOPMed 0.00121; ESP Exome Variant Server 0.00123.
gnomAD v4.1: 330 of 1,614,016 alleles (0.02%); highest among the groups gnomAD compares: African/African-American, 0.37%; 3 homozygotes.

Submissions (7):

Labcorp Genetics (formerly Invitae), Labcorp
Classification: Likely benign. Last evaluated: 2026-02-02. Review status: criteria provided, single submitter. Criteria: Invitae Variant Classification Sherloc (09022015). Collection method: clinical testing. Allele origin: germline.

PreventionGenetics, part of Exact Sciences
Classification: Likely benign for TBCE-related condition. Last evaluated: 2025-04-22. Review status: criteria provided, single submitter. Criteria: ACMG Guidelines, 2015. Collection method: clinical testing. Allele origin: germline.
Comment: This variant is classified as likely benign based on ACMG/AMP sequence variant interpretation guidelines (Richards et al. 2015 PMID: 25741868, with internal and published modifications).

Illumina Laboratory Services, Illumina
Classification: Likely benign for Hypoparathyroidism-retardation-dysmorphism syndrome. Last evaluated: 2018-01-12. Review status: criteria provided, single submitter. Criteria: ICSL Variant Classification Criteria 13 December 2019. Collection method: clinical testing. Allele origin: germline.
Comment: This variant was observed in the ICSL laboratory as part of a predisposition screen in an ostensibly healthy population. It had not been previously curated by ICSL or reported in the Human Gene Mutation Database (HGMD: prior to June 1st, 2018), and was therefore a candidate for classification through an automated scoring system. Utilizing variant allele frequency, disease prevalence and penetrance estimates, and inheritance mode, an automated score was calculated to assess if this variant is too frequent to cause the disease. Based on the score and internal cut-off values, a variant classified as likely benign is not then subjected to further curation. The score for this variant resulted in a classification of likely benign for this disease.

Eurofins Ntd Llc (ga)
Classification: Likely benign. Last evaluated: 2017-07-28. Review status: criteria provided, single submitter. Criteria: EGL Classification Definitions 2015. Collection method: clinical testing. Allele origin: germline. Observed: 1 variant allele, 1 heterozygote.

Department of Pediatrics, Samsung Medical Center, Samsung Medical Center
Classification: Uncertain significance for Microcephaly. Review status: no assertion criteria provided. Criteria: ACMG Guidelines, 2015. Collection method: research. Allele origin: germline. Affected: yes. Not counted in ClinVar's aggregate classification.

Dr. Peter K. Rogan Lab, Western University
No classification provided (evidence only). Condition: Uterine corpus endometrial carcinoma. Review status: no classification provided. Collection method: in vitro. Allele origin: not applicable. Functional consequence: retained intron. Not counted in ClinVar's aggregate classification.

Dr. Peter K. Rogan Lab, Western University
No classification provided (evidence only). Condition: Cervical cancer. Review status: no classification provided. Collection method: in vitro. Allele origin: not applicable. Functional consequence: retained intron. Not counted in ClinVar's aggregate classification.

NM_003193.5(TBCE):c.1397C>T (p.Pro466Leu)

Genes: B3GALNT2 (beta-1,3-N-acetylgalactosaminyltransferase 2; minus strand), TBCE (tubulin folding cofactor E; plus strand), LOC126806060 (MED14-independent group 3 enhancer GRCh37_chr1:235605546-235606745; plus strand). Cytogenetic location: 1q42.3.
Variant type: single nucleotide variant.
Coding change: c.1397C>T on transcript NM_003193.5 (MANE Select); coding-DNA position 1397, C replaced by T.
Protein change: p.Pro466Leu; replaces proline 466 with leucine.
Molecular consequence: missense variant.
Genome position (GRCh38, 1-based): chr1:235,442,909, C>T. VCF-style: chr1-235442909-C-T. GRCh37 (hg19) VCF-style: chr1-235606224-C-T.
Other names: c.1550C>T (NM_001287801.1); c.1397C>T, p.Pro466Leu (NM_001079515.3); c.1550C>T, p.Pro517Leu (NM_001287801.2); c.1058C>T, p.Pro353Leu (NM_001287802.2); short protein forms P466L, P353L, P517L.
Identifiers: ClinVar variation 296311 (VCV000296311.20), dbSNP rs114972093, ClinGen allele CA1464443.
Genomic context (GRCh38, chr1:235,442,909, plus strand): 5'-AAGCACTGAAGATAAAATACCCTCATCAACTTGATCAGAAAGTCCTGGAGAAACAACTGC[C>T]GGGTAAGAAGAACCAGCCTGTCTTTTCCTTAAACTCTGAATCATCGGCCTAGGTATGAGT-3'
Protein context (NP_003184.1, residues 456-476): LDQKVLEKQL[Pro466Leu]GSMTIQKVKG